The following is an entry in ClinVar:

NM_000138.5(FBN1):c.2564A>G (p.Gln855Arg)

Gene: FBN1 (fibrillin 1; minus strand). Cytogenetic location: 15q21.1.
Variant type: single nucleotide variant.
Coding change: c.2564A>G on transcript NM_000138.5 (MANE Select); coding-DNA position 2564, A replaced by G.
Protein change: p.Gln855Arg; replaces glutamine 855 with arginine.
Molecular consequence: missense variant.
Genome position (GRCh38, 1-based): chr15:48,495,236, T>C on the plus strand (A>G on the coding strand, the complement: FBN1 is on the minus strand). VCF-style: chr15-48495236-T-C. GRCh37 (hg19) VCF-style: chr15-48787433-T-C.
Other names: short protein forms Q855R.
Identifiers: ClinVar variation 921724 (VCV000921724.6), dbSNP rs2043596063, ClinGen allele CA392332833.
Genomic context (GRCh38, chr15:48,495,236, plus strand): 5'-CACTGGGACTTTAAGGTGGCTCCATTGATGTTGATCTCACATCGCCCATCAATGACAGTC[T>C]GCCAGCAAGTGCCCTTGATGGTTTCTGCAGAGGAGGGAATAATATTTAATAGAATCTATA-3'
Protein context (NP_000129.3, residues 845-865): CIETIKGTCW[Gln855Arg]TVIDGRCEIN

ClinVar aggregate classification (germline): Uncertain significance. Review status: criteria provided, multiple submitters, no conflicts (2 of 4 stars). 2 submissions from 2 submitters: Uncertain significance (2). Last evaluated 2024-03-07.

Conditions:
Familial thoracic aortic aneurysm and aortic dissection (TAAD). Also called: Thoracic aortic aneurysms and dissections. Identifiers: Orphanet 91387, MedGen C4707243, MONDO:0019625.
Marfan syndrome (MFS). Also called: Marfan syndrome, classic; Marfan syndrome type 1; Marfan's syndrome; FBN1-Related Marfan Syndrome; MARFAN SYNDROME, TYPE I. Identifiers: Orphanet 284963, Orphanet 558, MedGen C0024796, MONDO:0007947, OMIM 154700.

Allele frequency attached by ClinVar (database versions not stated): gnomAD exomes 0.00001.
gnomAD v4.1: 9 of 1,614,142 alleles (0.00056%); highest among the groups gnomAD compares: Non-Finnish European, 0.00068%; no homozygotes.

Submissions (2):

Color Diagnostics, LLC DBA Color Health
Classification: Uncertain significance for Familial thoracic aortic aneurysm and aortic dissection. Last evaluated: 2024-03-07. Review status: criteria provided, single submitter. Criteria: ACMG Guidelines, 2015. Collection method: clinical testing. Allele origin: germline.
Comment: This missense variant replaces glutamine with arginine at codon 855 of the FBN1 protein. Computational prediction suggests that this variant may not impact protein structure and function (internally defined REVEL score threshold <= 0.5, PMID: 27666373). To our knowledge, functional studies have not been reported for this variant. This variant has not been reported in individuals affected with FBN1-related disorders in the literature. This variant has not been identified in the general population by the Genome Aggregation Database (gnomAD). The available evidence is insufficient to determine the role of this variant in disease conclusively. Therefore, this variant is classified as a Variant of Uncertain Significance.

All of Us Research Program, National Institutes of Health
Classification: Uncertain significance for Marfan syndrome. Last evaluated: 2023-05-04. Review status: criteria provided, single submitter. Criteria: ACMG Guidelines, 2015. Collection method: clinical testing. Allele origin: germline. Inheritance: Autosomal dominant inheritance. Observed: 1 variant allele, 1 heterozygote.
Comment: This missense variant replaces glutamine with arginine at codon 855 of the FBN1 protein. Computational prediction suggests that this variant may not impact protein structure and function (internally defined REVEL score threshold <= 0.5, PMID: 27666373). Splice site prediction tools suggest that this variant may not impact RNA splicing. To our knowledge, functional studies have not been performed for this variant. This variant has not been reported in individuals affected with cardiovascular disorders in the literature. This variant has not been identified in the general population by the Genome Aggregation Database (gnomAD). The available evidence is insufficient to determine the role of this variant in disease conclusively. Therefore, this variant is classified as a Variant of Uncertain Significance.

This study involves interpretation of variants in research participants for the purpose of population health screening. Participant phenotype was not available at the time of variant classification. Additional details can be found in publication PMID: 35346344, PMCID: PMC8962531